The following is an entry in ClinVar:

NM_006180.6(NTRK2):c.2357G>A (p.Arg786Gln)

Gene: NTRK2 (neurotrophic receptor tyrosine kinase 2; plus strand). Cytogenetic location: 9q21.33.
Variant type: single nucleotide variant.
Coding change: c.2357G>A on transcript NM_006180.6 (MANE Select); coding-DNA position 2357, G replaced by A.
Protein change: p.Arg786Gln; replaces arginine 786 with glutamine.
Molecular consequence: missense variant.
Genome position (GRCh38, 1-based): chr9:85,021,277, G>A. VCF-style: chr9-85021277-G-A. GRCh37 (hg19) VCF-style: chr9-87636192-G-A.
Other names: c.2309G>A, p.Arg770Gln (NM_001018064.3, NM_001369532.1, NM_001369533.1); c.2273G>A, p.Arg758Gln (NM_001369534.1); c.1841G>A, p.Arg614Gln (NM_001369535.1); c.1889G>A, p.Arg630Gln (NM_001369536.1); short protein forms R630Q, R758Q, R770Q, R614Q, R786Q.
Identifiers: ClinVar variation 3682009 (VCV003682009.3).

ClinVar aggregate classification (germline): Uncertain significance. Review status: criteria provided, multiple submitters, no conflicts (2 of 4 stars). 2 submissions from 2 submitters: Uncertain significance (2). Last evaluated 2025-04-11.

Conditions:
Early onset severe obesity. Identifiers: MedGen C4013980.

gnomAD v4.1: 6 of 1,613,852 alleles (0.00037%); highest among the groups gnomAD compares: Middle Eastern, 0.033%; no homozygotes.

Submissions (2):

Cambridge Genomics Laboratory, East Genomic Laboratory Hub, NHS Genomic Medicine Service
Classification: Uncertain significance for Severe early-onset obesity. Last evaluated: 2025-04-11. Review status: criteria provided, single submitter. Criteria: ACGS Best Practice Guidelines for Variant Classification in Rare Disease 2020. Collection method: clinical testing. Allele origin: germline. Affected: yes.

Labcorp Genetics (formerly Invitae), Labcorp
Classification: Uncertain significance. Last evaluated: 2024-12-16. Review status: criteria provided, single submitter. Criteria: Invitae Variant Classification Sherloc (09022015). Collection method: clinical testing. Allele origin: germline.
Comment: This sequence change replaces arginine, which is basic and polar, with glutamine, which is neutral and polar, at codon 786 of the NTRK2 protein (p.Arg786Gln). This variant is present in population databases (rs201491838, gnomAD 0.01%). This variant has not been reported in the literature in individuals affected with NTRK2-related conditions. Invitae Evidence Modeling of protein sequence and biophysical properties (such as structural, functional, and spatial information, amino acid conservation, physicochemical variation, residue mobility, and thermodynamic stability) indicates that this missense variant is not expected to disrupt NTRK2 protein function with a negative predictive value of 80%. In summary, the available evidence is currently insufficient to determine the role of this variant in disease. Therefore, it has been classified as a Variant of Uncertain Significance.